The following is an entry in ClinVar:

NM_032043.3(BRIP1):c.815C>T (p.Pro272Leu)

Gene: BRIP1 (BRCA1 interacting DNA helicase 1; minus strand). Cytogenetic location: 17q23.2.
Variant type: single nucleotide variant.
Coding change: c.815C>T on transcript NM_032043.3 (MANE Select); coding-DNA position 815, C replaced by T.
Protein change: p.Pro272Leu; replaces proline 272 with leucine.
Molecular consequence: missense variant.
Genome position (GRCh38, 1-based): chr17:61,808,570, G>A on the plus strand (C>T on the coding strand, the complement: BRIP1 is on the minus strand). VCF-style: chr17-61808570-G-A. GRCh37 (hg19) VCF-style: chr17-59885931-G-A.
Other names: short protein forms P272L.
Identifiers: ClinVar variation 1718557 (VCV001718557.6), dbSNP rs2145415404, ClinGen allele CA400484856.

ClinVar aggregate classification (germline): Uncertain significance. Review status: criteria provided, multiple submitters, no conflicts (2 of 4 stars). 2 submissions from 2 submitters: Uncertain significance (2). Last evaluated 2023-01-12.

Conditions:
Familial cancer of breast. Also called: BREAST CANCER, FAMILIAL; Hereditary breast cancer; hereditary breast carcinoma. Identifiers: Orphanet 227535, MedGen C0346153, MONDO:0016419, OMIM 114480. Disease mechanism: loss of function.
Fanconi anemia complementation group J. Also called: BRIP1-Related Fanconi Anemia. Identifiers: Orphanet 84, MedGen C1836860, MONDO:0012187, OMIM 609054.

Submissions (2):

GeneDx
Classification: Uncertain significance. Last evaluated: 2023-01-12. Review status: criteria provided, single submitter. Criteria: GeneDx Variant Classification Process June 2021. Collection method: clinical testing. Allele origin: germline. Affected: yes.
Comment: Not observed at significant frequency in large population cohorts (gnomAD); In silico analysis supports that this missense variant has a deleterious effect on protein structure/function; Has not been previously published as pathogenic or benign to our knowledge

Labcorp Genetics (formerly Invitae), Labcorp
Classification: Uncertain significance for Familial cancer of breast; Fanconi anemia complementation group J. Last evaluated: 2022-09-12. Review status: criteria provided, single submitter. Criteria: Invitae Variant Classification Sherloc (09022015). Collection method: clinical testing. Allele origin: germline.
Comment: In summary, the available evidence is currently insufficient to determine the role of this variant in disease. Therefore, it has been classified as a Variant of Uncertain Significance. Advanced modeling of protein sequence and biophysical properties (such as structural, functional, and spatial information, amino acid conservation, physicochemical variation, residue mobility, and thermodynamic stability) performed at Invitae indicates that this missense variant is not expected to disrupt BRIP1 protein function. This variant has not been reported in the literature in individuals affected with BRIP1-related conditions. This variant is not present in population databases (gnomAD no frequency). This sequence change replaces proline, which is neutral and non-polar, with leucine, which is neutral and non-polar, at codon 272 of the BRIP1 protein (p.Pro272Leu).